The following is an entry in ClinVar:

ClinVar aggregate classification (germline): Benign/Likely benign. Review status: criteria provided, multiple submitters, no conflicts (2 of 4 stars). 4 submissions from 4 submitters: Benign (1); Likely benign (2). 1 of the submissions does not count toward it. Last evaluated 2025-12-10.

Conditions:
MOGS-related disorder. Also called: MOGS-related condition.
MOGS-congenital disorder of glycosylation. Also called: CDG IIb; CDG 2B; GLUCOSIDASE I DEFICIENCY; MOGS-CDG. Identifiers: Orphanet 79330, MedGen C1853736, MONDO:0011629, OMIM 606056.

Allele frequency attached by ClinVar (database versions not stated): gnomAD exomes 0.00010 and 0.00027; ExAC 0.00038; 1000 Genomes Project 0.00060; 1000 Genomes Project 30x 0.00062; gnomAD 0.00105 and 0.00113; TOPMed 0.00115; ESP Exome Variant Server 0.00172.
gnomAD v4.1: 307 of 1,614,150 alleles (0.019%); highest among the groups gnomAD compares: African/African-American, 0.37%; 2 homozygotes.

Submissions (4):

Labcorp Genetics (formerly Invitae), Labcorp
Classification: Benign for MOGS-congenital disorder of glycosylation. Last evaluated: 2025-12-10. Review status: criteria provided, single submitter. Criteria: Invitae Variant Classification Sherloc (09022015). Collection method: clinical testing. Allele origin: germline.

Blueprint Genetics
Classification: Likely benign. Last evaluated: 2024-05-28. Review status: criteria provided, single submitter. Criteria: ACMG Guidelines, 2015. Collection method: clinical testing. Allele origin: germline.

GeneDx
Classification: Likely benign. Last evaluated: 2018-01-23. Review status: criteria provided, single submitter. Criteria: GeneDx Variant Classification (06012015). Collection method: clinical testing. Allele origin: germline. Affected: yes.
Comment: This variant is considered likely benign or benign based on one or more of the following criteria: it is a conservative change, it occurs at a poorly conserved position in the protein, it is predicted to be benign by multiple in silico algorithms, and/or has population frequency not consistent with disease.

PreventionGenetics, part of Exact Sciences
Classification: Likely benign for MOGS-related condition. Last evaluated: 2020-01-29. Review status: no assertion criteria provided. Collection method: clinical testing. Allele origin: germline. Not counted in ClinVar's aggregate classification.
Comment: This variant is classified as likely benign based on ACMG/AMP sequence variant interpretation guidelines (Richards et al. 2015 PMID: 25741868, with internal and published modifications).

NM_006302.3(MOGS):c.1944G>A (p.Glu648=)

Gene: MOGS (mannosyl-oligosaccharide glucosidase; minus strand). Cytogenetic location: 2p13.1.
Variant type: single nucleotide variant.
Coding change: c.1944G>A on transcript NM_006302.3 (MANE Select); coding-DNA position 1944, G replaced by A.
Protein change: p.Glu648=; no amino-acid change (glutamic acid 648 retained).
Molecular consequence: synonymous variant.
Genome position (GRCh38, 1-based): chr2:74,461,845, C>T on the plus strand (G>A on the coding strand, the complement: MOGS is on the minus strand). VCF-style: chr2-74461845-C-T. GRCh37 (hg19) VCF-style: chr2-74688972-C-T.
Other names: c.1626G>A, p.Glu542= (NM_001146158.2); c.1944G>A, p.Glu648= (LRG_1226t1).
Identifiers: ClinVar variation 514798 (VCV000514798.15), dbSNP rs201547060, ClinGen allele CA1724694.